The following is an entry in ClinVar:

NM_003072.5(SMARCA4):c.4362C>G (p.Asn1454Lys)

Gene: SMARCA4 (SWI/SNF related BAF chromatin remodeling complex subunit ATPase 4; plus strand). Cytogenetic location: 19p13.2.
Variant type: single nucleotide variant.
Coding change: c.4362C>G on transcript NM_003072.5 (MANE Select); coding-DNA position 4362, C replaced by G.
Protein change: p.Asn1454Lys; replaces asparagine 1454 with lysine.
Molecular consequence: missense variant. On other transcripts: non-coding transcript variant (1).
Genome position (GRCh38, 1-based): chr19:11,041,498, C>G. VCF-style: chr19-11041498-C-G. GRCh37 (hg19) VCF-style: chr19-11152174-C-G.
Other names: c.4362C>G, p.Asn1454Lys (NM_001128844.3); c.4272C>G, p.Asn1424Lys (NM_001128845.2, NM_001128846.2); c.4263C>G, p.Asn1421Lys (NM_001128847.4, NM_001128848.2, NM_001374457.1); c.4458C>G, p.Asn1486Lys (NM_001128849.3, NM_001387283.1); c.4359C>G, p.Asn1453Lys (NM_001411150.1); short protein forms N1421K, N1424K, N1453K, N1454K, N1486K.
Identifiers: ClinVar variation 4864752 (VCV004864752.1).
Genomic context (GRCh38, chr19:11,041,498, plus strand): 5'-CGACGAGAGCAAGAAGCAGAAGAAGCGCGGGCGGCCGCCTGCCGAGAAACTCTCCCCTAA[C>G]CCACCCAACCTCACCAAGAAGATGAAGAAGATTGTGGATGCCGTGATCAAGTACAAGGAC-3'
Protein context (NP_003063.2, residues 1444-1464): GRPPAEKLSP[Asn1454Lys]PPNLTKKMKK

ClinVar aggregate classification (germline): Uncertain significance (1 of 4 stars; one submission).

Conditions:
Hereditary cancer-predisposing syndrome. Also called: Neoplastic Syndromes, Hereditary; Tumor predisposition; Hereditary Cancer Syndrome; Hereditary neoplastic syndrome. Identifiers: Orphanet 140162, MedGen C0027672, MeSH D009386, MONDO:0015356.

gnomAD v4.1: 1 of 1,613,944 alleles (0.000062%); highest among the groups gnomAD compares: Non-Finnish European, 0.000085%; no homozygotes.

Submission:

Ambry Genetics
Classification: Uncertain significance for Hereditary cancer-predisposing syndrome. Last evaluated: 2026-04-08. Review status: criteria provided, single submitter. Criteria: Ambry Variant Classification Scheme 2023. Collection method: clinical testing. Allele origin: germline.
Comment: The p.N1486K variant (also known as c.4458C>G), located in coding exon 30 of the SMARCA4 gene, results from a C to G substitution at nucleotide position 4458. The asparagine at codon 1486 is replaced by lysine, an amino acid with similar properties. This amino acid position is conserved. In addition, this alteration is predicted to be tolerated by in silico analysis. Based on the available evidence, the clinical significance of this variant remains unclear.